The following is an entry in ClinVar:

ClinVar aggregate classification (germline): Uncertain significance (1 of 4 stars; one submission).

gnomAD v4.1: 1 of 1,612,668 alleles (0.000062%); highest among the groups gnomAD compares: African/African-American, 0.0013%; no homozygotes.

Submission:

Labcorp Genetics (formerly Invitae), Labcorp
Classification: Uncertain significance. Last evaluated: 2025-07-13. Review status: criteria provided, single submitter. Criteria: Invitae Variant Classification Sherloc (09022015). Collection method: clinical testing. Allele origin: germline.
Comment: This sequence change replaces threonine, which is neutral and polar, with alanine, which is neutral and non-polar, at codon 479 of the LRRC8A protein (p.Thr479Ala). This variant is not present in population databases (gnomAD no frequency). This variant has not been reported in the literature in individuals affected with LRRC8A-related conditions. An algorithm developed to predict the effect of missense changes on protein structure and function (PolyPhen-2) suggests that this variant is likely to be disruptive. In summary, the available evidence is currently insufficient to determine the role of this variant in disease. Therefore, it has been classified as a Variant of Uncertain Significance.

NM_019594.4(LRRC8A):c.1435A>G (p.Thr479Ala)

Gene: LRRC8A (leucine rich repeat containing 8 VRAC subunit A; plus strand). Cytogenetic location: 9q34.11.
Variant type: single nucleotide variant.
Coding change: c.1435A>G on transcript NM_019594.4 (MANE Select); coding-DNA position 1435, A replaced by G.
Protein change: p.Thr479Ala; replaces threonine 479 with alanine.
Molecular consequence: missense variant.
Genome position (GRCh38, 1-based): chr9:128,908,599, A>G. VCF-style: chr9-128908599-A-G. GRCh37 (hg19) VCF-style: chr9-131670878-A-G.
Other names: c.1435A>G, p.Thr479Ala (NM_001127244.2, NM_001127245.2); short protein forms T479A.
Identifiers: ClinVar variation 4805164 (VCV004805164.1).